The following is an entry in ClinVar:

NM_006031.6(PCNT):c.9860C>G (p.Ser3287Ter)

Gene: PCNT (pericentrin; plus strand). Cytogenetic location: 21q22.3.
Variant type: single nucleotide variant.
Coding change: c.9860C>G on transcript NM_006031.6 (MANE Select); coding-DNA position 9860, C replaced by G.
Protein change: p.Ser3287Ter; replaces serine 3287 with a stop codon.
Molecular consequence: nonsense.
Genome position (GRCh38, 1-based): chr21:46,444,714, C>G. VCF-style: chr21-46444714-C-G. GRCh37 (hg19) VCF-style: chr21-47864627-C-G.
Other names: c.9269C>G, p.Ser3090Ter (NM_001315529.2); short protein forms S3090*, S3287*.
Identifiers: ClinVar variation 2973767 (VCV002973767.3), dbSNP rs2519174939, ClinGen allele CA410579869.

ClinVar aggregate classification (germline): Pathogenic (1 of 4 stars; one submission).

Allele frequency attached by ClinVar (database versions not stated): gnomAD exomes below 0.00001.
gnomAD v4.1: 3 of 1,609,376 alleles (0.00019%); highest among the groups gnomAD compares: Non-Finnish European, 0.00017%; no homozygotes.

Submission:

Labcorp Genetics (formerly Invitae), Labcorp
Classification: Pathogenic. Last evaluated: 2023-11-10. Review status: criteria provided, single submitter. Criteria: Invitae Variant Classification Sherloc (09022015). Collection method: clinical testing. Allele origin: germline.
Comment: This sequence change creates a premature translational stop signal (p.Ser3287*) in the PCNT gene. It is expected to result in an absent or disrupted protein product. Loss-of-function variants in PCNT are known to be pathogenic (PMID: 18174396, 22821869). This variant is not present in population databases (gnomAD no frequency). This variant has not been reported in the literature in individuals affected with PCNT-related conditions. For these reasons, this variant has been classified as Pathogenic.

Literature cited by the submitters: PubMed 18174396; PubMed 22821869.